The following is an entry in ClinVar:

NM_006231.4(POLE):c.3060G>A (p.Lys1020=)

Gene: POLE (DNA polymerase epsilon, catalytic subunit; minus strand). Cytogenetic location: 12q24.33.
Variant type: single nucleotide variant.
Coding change: c.3060G>A on transcript NM_006231.4 (MANE Select); coding-DNA position 3060, G replaced by A.
Protein change: p.Lys1020=; no amino-acid change (lysine 1020 retained).
Molecular consequence: synonymous variant.
Genome position (GRCh38, 1-based): chr12:132,660,969, C>T on the plus strand (G>A on the coding strand, the complement: POLE is on the minus strand). VCF-style: chr12-132660969-C-T. GRCh37 (hg19) VCF-style: chr12-133237555-C-T.
Identifiers: ClinVar variation 240455 (VCV000240455.2), dbSNP rs878854858, ClinGen allele CA10583005.
Genomic context (GRCh38, chr12:132,660,969, plus strand): 5'-CCCCTTCTTGCTTCATCCTTCATCCCTCAGAGCAGGTGAGGGTGGAGGGTAGGCCTTTAC[C>T]TTGCTGTACAGCACGTCCAGCCAGTAGTCAGCCACCTTGGCTACAGAGCCATACACCTCT-3'
Protein context (NP_006222.2, residues 1010-1030): ADYWLDVLYS[Lys1020=]AANMPDSELF

ClinVar aggregate classification (germline): Uncertain significance (1 of 4 stars; one submission).

Conditions:
Colorectal cancer, susceptibility to, 12 (CRCS12). Also called: COLORECTAL CANCER, SUSCEPTIBILITY TO, ON CHROMOSOME 12q24. Identifiers: Orphanet 220460, MedGen C3554460, MONDO:0014038, OMIM 615083.

Submission:

Labcorp Genetics (formerly Invitae), Labcorp
Classification: Uncertain significance for Colorectal cancer, susceptibility to, 12. Last evaluated: 2015-11-24. Review status: criteria provided, single submitter. Criteria: Invitae Variant Classification Sherloc (09022015). Collection method: clinical testing. Allele origin: germline.
Comment: This sequence change affects codon 1020 of the POLE mRNA. It is a 'silent' change, meaning that it does not change the encoded amino acid sequence of the POLE protein. This variant also affects a highly conserved nucleotide within the consensus donor splice site for exon 25. The majority of exons (75-85%) have a G at this position (PMID: 9536098). This variant is not present in population databases (ExAC no frequency) and has not been reported in the literature. Nucleotide substitutions at the last position of the exon are relatively common causes of aberrant splicing (PMID: 17576681). Algorithms developed to predict the effect of silent changes on mRNA splicing suggest that this variant may alter mRNA splicing, but this prediction has not been confirmed by published transcriptional studies. In summary, this is a novel silent change with uncertain impact on splicing. It has been classified as a Variant of Uncertain Significance.

Literature cited by the submitters: PubMed 9536098; PubMed 17576681.